The following is an entry in ClinVar:

ClinVar aggregate classification (germline): Benign (1 of 4 stars; one submission).

Conditions:
Maple syrup urine disease (MSUD). Identifiers: Orphanet 511, MedGen C0024776, MeSH D008375, MONDO:0009563. Disease mechanism: loss of function.

Allele frequency attached by ClinVar (database versions not stated): 1000 Genomes Project 0.71526; 1000 Genomes Project 30x 0.71814; gnomAD 0.77655 and 0.78177; TOPMed 0.77912; gnomAD exomes 1.00000.
gnomAD v4.1: 118,237 of 152,140 alleles (78%); highest among the groups gnomAD compares: Admixed American, 84%; 46,300 homozygotes.

Submission:

Illumina Laboratory Services, Illumina
Classification: Benign for Maple syrup urine disease type 1A. Last evaluated: 2018-01-12. Review status: criteria provided, single submitter. Criteria: ICSL Variant Classification Criteria 13 December 2019. Collection method: clinical testing. Allele origin: germline.
Comment: This variant was observed in the ICSL laboratory as part of a predisposition screen in an ostensibly healthy population. It had not been previously curated by ICSL or reported in the Human Gene Mutation Database (HGMD: prior to June 1st, 2018), and was therefore a candidate for classification through an automated scoring system. Utilizing variant allele frequency, disease prevalence and penetrance estimates, and inheritance mode, an automated score was calculated to assess if this variant is too frequent to cause the disease. Based on the score and internal cut-off values, a variant classified as benign is not then subjected to further curation. The score for this variant resulted in a classification of benign for this disease.

NM_183050.4(BCKDHB):c.*1875G>A

Gene: BCKDHB (branched chain keto acid dehydrogenase E1 subunit beta; plus strand). Cytogenetic location: 6q14.1.
Variant type: single nucleotide variant.
Coding change: c.*1875G>A on transcript NM_183050.4 (MANE Select); 1875 bases downstream of the stop codon, G replaced by A.
Molecular consequence: 3 prime UTR variant. On other transcripts: non-coding transcript variant (1), intron variant (1).
Genome position (GRCh38, 1-based): chr6:80,345,679, G>A. VCF-style: chr6-80345679-G-A. GRCh37 (hg19) VCF-style: chr6-81055396-G-A.
Other names: c.*1875G>A (NM_001318975.1); c.*9-296G>A (NM_000056.5).
Identifiers: ClinVar variation 358209 (VCV000358209.5), dbSNP rs7759304, ClinGen allele CA10627803.